The following is an entry in ClinVar:

ClinVar aggregate classification (germline): Uncertain significance (1 of 4 stars; one submission).

Allele frequency attached by ClinVar (database versions not stated): TOPMed below 0.00001; gnomAD 0.00001.
gnomAD v4.1: 4 of 1,613,208 alleles (0.00025%); highest among the groups gnomAD compares: Non-Finnish European, 0.00034%; no homozygotes.

Submission:

Labcorp Genetics (formerly Invitae), Labcorp
Classification: Uncertain significance. Last evaluated: 2022-09-14. Review status: criteria provided, single submitter. Criteria: Invitae Variant Classification Sherloc (09022015). Collection method: clinical testing. Allele origin: germline.
Comment: In summary, the available evidence is currently insufficient to determine the role of this variant in disease. Therefore, it has been classified as a Variant of Uncertain Significance. Advanced modeling of protein sequence and biophysical properties (such as structural, functional, and spatial information, amino acid conservation, physicochemical variation, residue mobility, and thermodynamic stability) has been performed at Invitae for this missense variant, however the output from this modeling did not meet the statistical confidence thresholds required to predict the impact of this variant on RASA2 protein function. This variant has not been reported in the literature in individuals affected with RASA2-related conditions. This variant is not present in population databases (gnomAD no frequency). This sequence change replaces aspartic acid, which is acidic and polar, with glutamic acid, which is acidic and polar, at codon 266 of the RASA2 protein (p.Asp266Glu).

NM_006506.5(RASA2):c.798T>G (p.Asp266Glu)

Gene: RASA2 (RAS p21 protein activator 2; plus strand). Cytogenetic location: 3q23.
Variant type: single nucleotide variant.
Coding change: c.798T>G on transcript NM_006506.5 (MANE Select); coding-DNA position 798, T replaced by G.
Protein change: p.Asp266Glu; replaces aspartic acid 266 with glutamic acid.
Molecular consequence: missense variant.
Genome position (GRCh38, 1-based): chr3:141,559,930, T>G. VCF-style: chr3-141559930-T-G. GRCh37 (hg19) VCF-style: chr3-141278772-T-G.
Other names: c.798T>G, p.Asp266Glu (NM_001303245.3, NM_001303246.3); short protein forms D266E.
Identifiers: ClinVar variation 2030362 (VCV002030362.4), dbSNP rs753830994, ClinGen allele CA354773057.
Genomic context (GRCh38, chr3:141,559,930, plus strand): 5'-ATAAAGCCAGTTTTCAATTTTCAGGATCGACTTGTGGAACAATGGAAACCTAGTCCAAGA[T>G]GTTTTCCTAGGTGAGATTAAGGTTCCTGTGAACGTATTAAGAACTGATTCCTCTCATCAA-3'
Protein context (NP_006497.2, residues 256-276): DLWNNGNLVQ[Asp266Glu]VFLGEIKVPV